The following is an entry in ClinVar:

ClinVar aggregate classification (germline): Uncertain significance. Review status: criteria provided, multiple submitters, no conflicts (2 of 4 stars). 2 submissions from 2 submitters: Uncertain significance (2). Last evaluated 2025-03-22.

Conditions:
Inborn genetic diseases. Identifiers: MedGen C0950123, MeSH D030342.
Monocytopenia with susceptibility to infections. Also called: MONOCYTOPENIA AND MYCOBACTERIAL INFECTION SYNDROME; MONOCYTOPENIA WITH SUSCEPTIBILITY TO MYCOBACTERIAL, FUNGAL, AND PAPILLOMAVIRUS INFECTIONS AND MYELODYSPLASIA; COMBINED IMMUNODEFICIENCY WITH SUSCEPTIBILITY TO MYCOBACTERIAL, VIRAL, AND FUNGAL INFECTIONS; Dendritic cell, monocyte, B lymphocyte, and natural killer lymphocyte deficiency; GATA2 DEFICIENCY; IMMUNODEFICIENCY 21. Identifiers: Orphanet 228423, MedGen C3280030, MONDO:0013607, OMIM 614172.
Deafness-lymphedema-leukemia syndrome. Also called: Lymphedema, primary, with myelodysplasia; Emberger syndrome. Identifiers: Orphanet 3226, MedGen C3279664, MONDO:0013540, OMIM 614038.

Allele frequency attached by ClinVar (database versions not stated): ExAC 0.00001.
gnomAD v4.1: 14 of 1,612,586 alleles (0.00087%); highest among the groups gnomAD compares: Non-Finnish European, 0.0012%; no homozygotes.

Submissions (2):

Labcorp Genetics (formerly Invitae), Labcorp
Classification: Uncertain significance for Monocytopenia with susceptibility to infections; Deafness-lymphedema-leukemia syndrome. Last evaluated: 2025-03-22. Review status: criteria provided, single submitter. Criteria: Invitae Variant Classification Sherloc (09022015). Collection method: clinical testing. Allele origin: germline.
Comment: This sequence change replaces histidine, which is basic and polar, with glutamine, which is neutral and polar, at codon 26 of the GATA2 protein (p.His26Gln). The frequency data for this variant in the population databases is considered unreliable, as metrics indicate poor data quality at this position in the gnomAD database. This variant has not been reported in the literature in individuals affected with GATA2-related conditions. ClinVar contains an entry for this variant (Variation ID: 1434501). Invitae Evidence Modeling of protein sequence and biophysical properties (such as structural, functional, and spatial information, amino acid conservation, physicochemical variation, residue mobility, and thermodynamic stability) indicates that this missense variant is not expected to disrupt GATA2 protein function with a negative predictive value of 95%. In summary, the available evidence is currently insufficient to determine the role of this variant in disease. Therefore, it has been classified as a Variant of Uncertain Significance.

Ambry Genetics
Classification: Uncertain significance for Inborn genetic diseases. Last evaluated: 2025-01-13. Review status: criteria provided, single submitter. Criteria: Ambry Variant Classification Scheme 2023. Collection method: clinical testing. Allele origin: germline.
Comment: The p.H26Q variant (also known as c.78C>G), located in coding exon 1 of the GATA2 gene, results from a C to G substitution at nucleotide position 78. The histidine at codon 26 is replaced by glutamine, an amino acid with highly similar properties. This amino acid position is conserved. In addition, this alteration is predicted to be deleterious by in silico analysis. Based on the available evidence, the clinical significance of this variant remains unclear.

NM_032638.5(GATA2):c.78C>G (p.His26Gln)

Gene: GATA2 (GATA binding protein 2; minus strand). Cytogenetic location: 3q21.3.
Variant type: single nucleotide variant.
Coding change: c.78C>G on transcript NM_032638.5 (MANE Select); coding-DNA position 78, C replaced by G.
Protein change: p.His26Gln; replaces histidine 26 with glutamine.
Molecular consequence: missense variant.
Genome position (GRCh38, 1-based): chr3:128,486,954, G>C on the plus strand (C>G on the coding strand, the complement: GATA2 is on the minus strand). VCF-style: chr3-128486954-G-C. GRCh37 (hg19) VCF-style: chr3-128205797-G-C.
Other names: c.78C>G, p.His26Gln (NM_001145661.2, NM_001145662.1); c.78C>G (NM_032638.4); short protein forms H26Q.
Identifiers: ClinVar variation 1434501 (VCV001434501.9), dbSNP rs767260206, ClinGen allele CA2600106.